The following is an entry in ClinVar:

ClinVar aggregate classification (germline): Likely pathogenic. Review status: criteria provided, multiple submitters, no conflicts (2 of 4 stars). 2 submissions from 2 submitters: Likely pathogenic (2). Last evaluated 2023-12-04.

Conditions:
Intellectual disability, X-linked, with or without seizures, ARX-related. Also called: Mental retardation, X-linked 52; INTELLECTUAL DEVELOPMENTAL DISORDER, X-LINKED 29; MENTAL RETARDATION, X-LINKED 29; MENTAL RETARDATION, X-LINKED 32; MENTAL RETARDATION, X-LINKED 33; MENTAL RETARDATION, X-LINKED 38. Identifiers: Orphanet 777, MedGen C0796244, MONDO:0010317, OMIM 300419.

Submissions (2):

GeneDx
Classification: Likely pathogenic. Last evaluated: 2023-12-04. Review status: criteria provided, single submitter. Criteria: GeneDx Variant Classification Process June 2021. Collection method: clinical testing. Allele origin: germline. Affected: yes.
Comment: Functional studies suggest R371Q may reduce but not completely abolish the transcriptional activity of ARX, although the diminished activity of R371Q was not shown to be significantly different than wild type (PMID: 32383243); Has been reported previously in association with ARX-related disorder (ARX LOVD; Fokkema et al., 2011); Not observed in large population cohorts (gnomAD); In silico analysis supports that this missense variant has a deleterious effect on protein structure/function; This variant is associated with the following publications: (PMID: 32383243, 35586607)

Women's Health and Genetics/Laboratory Corporation of America, LabCorp
Classification: Likely pathogenic for Intellectual disability, X-linked, with or without seizures, ARX-related. Last evaluated: 2022-01-20. Review status: criteria provided, single submitter. Criteria: LabCorp Variant Classification Summary - May 2015. Collection method: clinical testing. Allele origin: germline.
Comment: Variant summary: ARX c.1112G>A (p.Arg371Gln) results in a conservative amino acid change located in the Homeobox domain (IPR001356) of the encoded protein sequence. Four of five in-silico tools predict a damaging effect of the variant on protein function. The variant was absent in 182018 control chromosomes (gnomAD). c.1112G>A has been reported in the literature to segregate with disease in multiple male individuals from one family affected with intellectual disability, autism spectrum disorder and seizures (Thai_2020). Following functional assessment of the variant, the authors concluded that there was no significant protein mislocalization, nor was the ability to repress luciferase activity significantly diminished; however, in overexpression studies in the alphaTC cells, a significant impact on the Lgi3 gene was determined indicating that this variant likely diminishes but does not abolish the transcriptional activity of ARX (Thai_2020). No clinical diagnostic laboratories have submitted clinical-significance assessments for this variant to ClinVar after 2014. Based on the evidence outlined above, the variant was classified as likely pathogenic.

Literature cited by the submitters: PubMed 32383243 (cited by Women's Health and Genetics/Laboratory Corporation of America, LabCorp).

NM_139058.3(ARX):c.1112G>A (p.Arg371Gln)

Gene: ARX (aristaless related homeobox; minus strand). Cytogenetic location: Xp21.3.
Variant type: single nucleotide variant.
Coding change: c.1112G>A on transcript NM_139058.3 (MANE Select); coding-DNA position 1112, G replaced by A.
Protein change: p.Arg371Gln; replaces arginine 371 with glutamine.
Molecular consequence: missense variant.
Genome position (GRCh38, 1-based): chrX:25,010,267, C>T on the plus strand (G>A on the coding strand, the complement: ARX is on the minus strand). VCF-style: chrX-25010267-C-T. GRCh37 (hg19) VCF-style: chrX-25028384-C-T.
Other names: short protein forms R371Q.
Identifiers: ClinVar variation 1339731 (VCV001339731.2), dbSNP rs2147322042, ClinGen allele CA412611722.
Genomic context (GRCh38, chrX:25,010,267, plus strand): 5'-CCCACTGGCCCCCAGCCCTCCTCCCTCCCTCTTCCCTCTGTTGTGCAGCTCACCTGGACT[C>T]GGGCCTCGGTCAAGTCCAGCCTCATGGCCAGTTCCTCCCTATAAGAAAGCAACACACAGA-3'
Protein context (NP_620689.1, residues 361-381): LAMRLDLTEA[Arg371Gln]VQVWFQNRRA